The following is an entry in ClinVar:

NC_000016.9:g.(?_160503)_(188266_?)dup

Gene: NPRL3 (NPR3 like, GATOR1 complex subunit; minus strand). Cytogenetic location: 16p13.3.
Variant type: Duplication.
Identifiers: ClinVar variation 2423616 (VCV002423616.2).

ClinVar aggregate classification (germline): Uncertain significance (1 of 4 stars; one submission).

Conditions:
Epilepsy, familial focal, with variable foci 3 (FFEVF3). Identifiers: MedGen C4310708, MONDO:0014925, OMIM 617118.

Submission:

Labcorp Genetics (formerly Invitae), Labcorp
Classification: Uncertain significance for Epilepsy, familial focal, with variable foci 3. Last evaluated: 2022-07-12. Review status: criteria provided, single submitter. Criteria: Invitae Variant Classification Sherloc (09022015). Collection method: clinical testing. Allele origin: germline.
Comment: This variant results in a copy number gain of the genomic region encompassing exon(s) 2-7 of the NPRL3 gene. This region includes the initiator codon of the gene. This copy number gain extends beyond the assayed region for this gene and therefore may encompass additional genes. As the precise location of this event is unknown, it may be in tandem or it may be located elsewhere in the genome. This variant has not been reported in the literature in individuals affected with NPRL3-related conditions. In summary, the available evidence is currently insufficient to determine the role of this variant in disease. Therefore, it has been classified as a Variant of Uncertain Significance.